The following is an entry in ClinVar:

NM_004380.3(CREBBP):c.561C>T (p.Gly187=)

Gene: CREBBP (CREB binding lysine acetyltransferase; minus strand). Cytogenetic location: 16p13.3.
Variant type: single nucleotide variant.
Coding change: c.561C>T on transcript NM_004380.3 (MANE Select); coding-DNA position 561, C replaced by T.
Protein change: p.Gly187=; no amino-acid change (glycine 187 retained).
Molecular consequence: synonymous variant.
Genome position (GRCh38, 1-based): chr16:3,850,534, G>A on the plus strand (C>T on the coding strand, the complement: CREBBP is on the minus strand). VCF-style: chr16-3850534-G-A. GRCh37 (hg19) VCF-style: chr16-3900535-G-A.
Other names: c.561C>T, p.Gly187= (NM_001079846.1).
Identifiers: ClinVar variation 3036945 (VCV003036945.3), dbSNP rs1597053665, ClinGen allele CA493395074.

ClinVar aggregate classification (germline): Likely benign. Review status: criteria provided, single submitter (1 of 4 stars). 2 submissions from 2 submitters: Likely benign (1). 1 of the submissions does not count toward it. Last evaluated 2026-09-01.

Conditions:
CREBBP-related disorder. Also called: CREBBP-related disorders; CREBBP-related condition.

Allele frequency attached by ClinVar (database versions not stated): gnomAD exomes below 0.00001; gnomAD 0.00001; TOPMed 0.00001.
gnomAD v4.1: 3 of 1,614,104 alleles (0.00019%); highest among the groups gnomAD compares: South Asian, 0.0011%; no homozygotes.

Submissions (2):

CeGaT Center for Human Genetics Tuebingen
Classification: Likely benign. Last evaluated: 2026-09-01. Review status: criteria provided, single submitter. Criteria: CeGaT Center For Human Genetics Tuebingen Variant Classification Criteria Version 2. Collection method: clinical testing. Allele origin: germline. Affected: yes. Observed: 1 variant allele.
Comment: CREBBP: BP4

PreventionGenetics, part of Exact Sciences
Classification: Likely benign for CREBBP-related condition. Last evaluated: 2022-07-07. Review status: no assertion criteria provided. Collection method: clinical testing. Allele origin: germline. Not counted in ClinVar's aggregate classification.
Comment: This variant is classified as likely benign based on ACMG/AMP sequence variant interpretation guidelines (Richards et al. 2015 PMID: 25741868, with internal and published modifications).